The following is an entry in ClinVar:

NM_001365951.3(KIF1B):c.608+5G>A

Gene: KIF1B (kinesin family member 1B; plus strand). Cytogenetic location: 1p36.22.
Variant type: single nucleotide variant.
Coding change: c.608+5G>A on transcript NM_001365951.3 (MANE Select); 5 bases into the intron after coding-DNA position 608, G replaced by A.
Molecular consequence: intron variant.
Genome position (GRCh38, 1-based): chr1:10,267,563, G>A. VCF-style: chr1-10267563-G-A. GRCh37 (hg19) VCF-style: chr1-10327621-G-A.
Other names: c.608+5G>A (NM_183416.4, NM_015074.3, NM_001365952.1 and 1 more transcripts).
Identifiers: ClinVar variation 2625687 (VCV002625687.2), dbSNP rs1648535460, ClinGen allele CA1153198701.

ClinVar aggregate classification (germline): Uncertain significance (1 of 4 stars; one submission).

Allele frequency attached by ClinVar (database versions not stated): TOPMed 0.00001.

Submission:

Ambry Genetics
Classification: Uncertain significance. Last evaluated: 2023-07-06. Review status: criteria provided, single submitter. Criteria: Ambry Variant Classification Scheme 2023. Collection method: clinical testing. Allele origin: germline.
Comment: The c.608+5G>A intronic variant results from a G to A substitution 5 nucleotides after coding exon 5 in the KIF1B gene. This nucleotide position is well conserved in available vertebrate species. In silico splice site analysis predicts that this alteration will not have any significant effect on splicing. Since supporting evidence is limited at this time, the clinical significance of this alteration remains unclear.